The following is an entry in ClinVar:

NM_015267.4(CUX2):c.1708A>G (p.Asn570Asp)

Gene: CUX2 (cut like homeobox 2; plus strand). Cytogenetic location: 12q24.12.
Variant type: single nucleotide variant.
Coding change: c.1708A>G on transcript NM_015267.4 (MANE Select); coding-DNA position 1708, A replaced by G.
Protein change: p.Asn570Asp; replaces asparagine 570 with aspartic acid.
Molecular consequence: missense variant.
Genome position (GRCh38, 1-based): chr12:111,310,490, A>G. VCF-style: chr12-111310490-A-G. GRCh37 (hg19) VCF-style: chr12-111748294-A-G.
Other names: c.1522A>G, p.Asn508Asp (NM_001370598.1); short protein forms N508D, N570D.
Identifiers: ClinVar variation 3602324 (VCV003602324.1).
Genomic context (GRCh38, chr12:111,310,490, plus strand): 5'-GAGGAGCAGCTGGACACGGCAGAGATCGCCTTCCAGGTGAAGGAGCAGCTGCTGAAACAC[A>G]ACATCGGGCAGCGGGTGTTTGGGCATTACGTGCTGGGGCTGTCGCAGGGCTCGGTCAGCG-3'
Protein context (NP_056082.2, residues 560-580): FQVKEQLLKH[Asn570Asp]IGQRVFGHYV

ClinVar aggregate classification (germline): Uncertain significance (1 of 4 stars; one submission).

Submission:

GeneDx
Classification: Uncertain significance. Last evaluated: 2024-07-30. Review status: criteria provided, single submitter. Criteria: GeneDx Variant Classification Process June 2021. Collection method: clinical testing. Allele origin: germline. Affected: yes.
Comment: Not observed at significant frequency in large population cohorts (gnomAD); In silico analysis supports that this missense variant has a deleterious effect on protein structure/function; Has not been previously published as pathogenic or benign to our knowledge